The following is an entry in ClinVar:

NM_000834.5(GRIN2B):c.1328+1G>A

Gene: GRIN2B (glutamate ionotropic receptor NMDA type subunit 2B; minus strand). Cytogenetic location: 12p13.1.
Variant type: single nucleotide variant.
Coding change: c.1328+1G>A on transcript NM_000834.5 (MANE Select); the canonical splice donor site of the intron after coding-DNA position 1328, G replaced by A.
Molecular consequence: splice donor variant.
Genome position (GRCh38, 1-based): chr12:13,616,454, C>T on the plus strand (G>A on the coding strand, the complement: GRIN2B is on the minus strand). VCF-style: chr12-13616454-C-T. GRCh37 (hg19) VCF-style: chr12-13769388-C-T.
Other names: c.1328+1G>A (NM_001413992.1).
Identifiers: ClinVar variation 449793 (VCV000449793.2), dbSNP rs1555112323, ClinGen allele CA384052437.

ClinVar aggregate classification (germline): Pathogenic (1 of 4 stars; one submission).

Submission:

GeneDx
Classification: Pathogenic. Last evaluated: 2016-09-06. Review status: criteria provided, single submitter. Criteria: GeneDx Variant Classification (06012015). Collection method: clinical testing. Allele origin: germline. Affected: yes.
Comment: The c.1328+1 G>A splice site variant in the GRIN2B gene destroys the canonical splice donor site in intron 5. It is predicted to cause abnormal gene splicing, either leading to an abnormal message that is subject to nonsense-mediated mRNA decay, or to an abnormal protein product if the message is used for protein translation. Although this pathogenic variant has not been previously reported to our knowledge, its presence is consistent with a diagnosis of a GRIN2B-related disorder